The following is an entry in ClinVar:

ClinVar aggregate classification (germline): Uncertain significance (1 of 4 stars; one submission).

Conditions:
Intellectual developmental disorder, autosomal dominant 64. Also called: MENTAL RETARDATION, AUTOSOMAL DOMINANT 64. Identifiers: MedGen C5543067, MONDO:0030934, OMIM 619188.

Submission:

Neuberg Centre For Genomic Medicine, NCGM
Classification: Uncertain significance for Intellectual developmental disorder, autosomal dominant 64. Last evaluated: 2023-06-22. Review status: criteria provided, single submitter. Criteria: ACMG Guidelines, 2015. Collection method: clinical testing. Allele origin: germline. Inheritance: Autosomal dominant inheritance. Affected: yes.
Comment: The observed missense c.6424G>C(p.Asp2142His) variant in ZNF292 gene has not been reported previously as a pathogenic variant nor as a benign variant, to our knowledge. This variant is absent in gnomAD Exomes. The amino acid Asp at position 2142 is changed to a His changing protein sequence and it might alter its composition and physico-chemical properties. The amino acid change p.Asp2142His in ZNF292 is predicted as conserved by GERP++ and PhyloP across 100 vertebrates. Multiple lines of computational evidence (Polyphen - Damaging, SIFT - Damaging, and MutationTaster - Disease causing) predict a damaging effect on protein structure and function for this variant. For these reasons, this variant has been classified as Uncertain Significance.

NM_015021.3(ZNF292):c.6424G>C (p.Asp2142His)

Gene: ZNF292 (zinc finger protein 292; plus strand). Cytogenetic location: 6q14.3.
Variant type: single nucleotide variant.
Coding change: c.6424G>C on transcript NM_015021.3 (MANE Select); coding-DNA position 6424, G replaced by C.
Protein change: p.Asp2142His; replaces aspartic acid 2142 with histidine.
Molecular consequence: missense variant.
Genome position (GRCh38, 1-based): chr6:87,260,053, G>C. VCF-style: chr6-87260053-G-C. GRCh37 (hg19) VCF-style: chr6-87969771-G-C.
Other names: c.6004G>C, p.Asp2002His (NM_001351444.2); short protein forms D2002H, D2142H.
Identifiers: ClinVar variation 3731423 (VCV003731423.1).